The following is an entry in ClinVar:

ClinVar aggregate classification (germline): Uncertain significance (1 of 4 stars; one submission).

Submission:

GeneDx
Classification: Uncertain significance. Last evaluated: 2025-03-20. Review status: criteria provided, single submitter. Criteria: GeneDx Variant Classification Process June 2021. Collection method: clinical testing. Allele origin: germline. Affected: yes.
Comment: Not observed at significant frequency in large population cohorts (gnomAD); In silico analysis supports that this missense variant has a deleterious effect on protein structure/function; Has not been previously published as pathogenic or benign to our knowledge

NM_001297595.2(SIN3B):c.335T>C (p.Ile112Thr)

Gene: SIN3B (SIN3 transcription regulator family member B; plus strand). Cytogenetic location: 19p13.11.
Variant type: single nucleotide variant.
Coding change: c.335T>C on transcript NM_001297595.2 (MANE Select); coding-DNA position 335, T replaced by C.
Protein change: p.Ile112Thr; replaces isoleucine 112 with threonine.
Molecular consequence: missense variant.
Genome position (GRCh38, 1-based): chr19:16,831,601, T>C. VCF-style: chr19-16831601-T-C. GRCh37 (hg19) VCF-style: chr19-16942412-T-C.
Other names: c.335T>C, p.Ile112Thr (NM_015260.4); short protein forms I112T.
Identifiers: ClinVar variation 4086651 (VCV004086651.1).